The following is an entry in ClinVar:

ClinVar aggregate classification (germline): Likely pathogenic (1 of 4 stars; one submission).

Submission:

Quest Diagnostics Nichols Institute San Juan Capistrano
Classification: Likely pathogenic. Last evaluated: 2021-03-26. Review status: criteria provided, single submitter. Criteria: Quest Diagnostics criteria. Collection method: clinical testing. Allele origin: unknown.
Comment: The frameshift variant alters the translational reading frame of the PALB2 mRNA and is predicted to cause the premature termination of PALB2 protein synthesis. To the best of our knowledge, the variant has not been reported in the published literature. Based on the available information, we predict that the variant is likely pathogenic.

NM_024675.4(PALB2):c.2127_2128del (p.Thr710fs)

Gene: PALB2 (partner and localizer of BRCA2; minus strand). Cytogenetic location: 16p12.2.
Variant type: Deletion.
Coding change: c.2127_2128del on transcript NM_024675.4 (MANE Select); coding-DNA positions 2127 to 2128, 2 bases deleted (TA; older notation c.2127_2128delTA).
Protein change: p.Thr710fs; shifts the reading frame from threonine 710.
Molecular consequence: frameshift variant.
Genome position (GRCh38, 1-based): chr16:23,630,026-23,630,027, TA deleted on the plus strand (TA on the coding strand, the reverse complement: PALB2 is on the minus strand); deleting any 2 consecutive bases within chr16:23,630,026-23,630,028 gives the same sequence; the c. name uses the placement nearest the transcript's 3' end. VCF-style (leftmost placement, unchanged base first): chr16-23630025-GTA-G. GRCh37 (hg19) VCF-style: chr16-23641346-GTA-G.
Other names: short protein forms T710fs.
Identifiers: ClinVar variation 1330095 (VCV001330095.1), dbSNP rs2142380442, ClinGen allele CA2573054198.
Genomic context (GRCh38, chr16:23,630,025, plus strand): 5'-ATGGGGAAAGCAGGTGAACACATGTCTGTGGTAGGCCTGTCATTATCATCAGGCGCAACC[GTA>G]TTTAAAGGAGTATAAAGTAATATGGATGAAGAAAGGCCCGTCTTTGTATGCTGGCTTTGC-3'